The following is an entry in ClinVar:

ClinVar aggregate classification (germline): Uncertain significance (1 of 4 stars; one submission).

Conditions:
Hypertrophic cardiomyopathy 26. Also called: Cardiomyopathy, familial hypertrophic, 26. Identifiers: Orphanet 75249, MedGen C4310749, MONDO:0014883, OMIM 617047.
Myofibrillar myopathy 5. Also called: Filaminopathy (type); FILAMINOPATHY, AUTOSOMAL DOMINANT. Identifiers: Orphanet 171445, MedGen C1836050, MONDO:0012289, OMIM 609524.
Distal myopathy with posterior leg and anterior hand involvement. Also called: WILLIAMS DISTAL MYOPATHY. Identifiers: Orphanet 63273, MedGen C3279722, MONDO:0013550, OMIM 614065.

Submission:

Labcorp Genetics (formerly Invitae), Labcorp
Classification: Uncertain significance for Distal myopathy with posterior leg and anterior hand involvement; Myofibrillar myopathy 5; Hypertrophic cardiomyopathy 26. Last evaluated: 2025-12-10. Review status: criteria provided, single submitter. Criteria: Invitae Variant Classification Sherloc (09022015). Collection method: clinical testing. Allele origin: germline.
Comment: This sequence change replaces serine, which is neutral and polar, with arginine, which is basic and polar, at codon 967 of the FLNC protein (p.Ser967Arg). This variant is not present in population databases (gnomAD no frequency). This variant has not been reported in the literature in individuals affected with FLNC-related conditions. Invitae Evidence Modeling of protein sequence and biophysical properties (such as structural, functional, and spatial information, amino acid conservation, physicochemical variation, residue mobility, and thermodynamic stability) has been performed for this missense variant. However, the output from this modeling did not meet the statistical confidence thresholds required to predict the impact of this variant on FLNC protein function. In summary, the available evidence is currently insufficient to determine the role of this variant in disease. Therefore, it has been classified as a Variant of Uncertain Significance.

NM_001458.5(FLNC):c.2901C>A (p.Ser967Arg)

Gene: FLNC (filamin C; plus strand). Cytogenetic location: 7q32.1.
Variant type: single nucleotide variant.
Coding change: c.2901C>A on transcript NM_001458.5 (MANE Select); coding-DNA position 2901, C replaced by A.
Protein change: p.Ser967Arg; replaces serine 967 with arginine.
Molecular consequence: missense variant.
Genome position (GRCh38, 1-based): chr7:128,843,885, C>A. VCF-style: chr7-128843885-C-A. GRCh37 (hg19) VCF-style: chr7-128483939-C-A.
Other names: c.2901C>A, p.Ser967Arg (NM_001127487.2); short protein forms S967R.
Identifiers: ClinVar variation 4812411 (VCV004812411.1).